The following is an entry in ClinVar:

NM_004415.4(DSP):c.4372C>T (p.Arg1458Ter)

Gene: DSP (desmoplakin; plus strand). Cytogenetic location: 6p24.3.
Variant type: single nucleotide variant.
Coding change: c.4372C>T on transcript NM_004415.4 (MANE Select); coding-DNA position 4372, C replaced by T.
Protein change: p.Arg1458Ter; replaces arginine 1458 with a stop codon.
Molecular consequence: nonsense. On other transcripts: intron variant (2).
Genome position (GRCh38, 1-based): chr6:7,580,562, C>T. VCF-style: chr6-7580562-C-T. GRCh37 (hg19) VCF-style: chr6-7580795-C-T.
Other names: c.4050+322C>T (NM_001319034.2); c.4372C>T (LRG_423t1); c.3582+790C>T (NM_001008844.3); short protein forms R1458*.
Identifiers: ClinVar variation 534283 (VCV000534283.16), dbSNP rs28763965, ClinGen allele CA041182.

ClinVar aggregate classification (germline): Pathogenic/Likely pathogenic. Review status: criteria provided, multiple submitters, no conflicts (2 of 4 stars). 7 submissions from 7 submitters: Pathogenic (4); Likely pathogenic (3). Last evaluated 2026-01-19.

Conditions:
Arrhythmogenic right ventricular dysplasia 8 (ARVD8). Also called: ARRHYTHMOGENIC RIGHT VENTRICULAR CARDIOMYOPATHY 8; Arrhythmogenic Right Ventricular Dysplasia/Cardiomyopathy 8; ARRHYTHMOGENIC RIGHT VENTRICULAR DYSPLASIA, FAMILIAL, 8. Identifiers: MedGen C1843896, MONDO:0011831, OMIM 607450.
Arrhythmogenic cardiomyopathy with wooly hair and keratoderma. Also called: Dilated cardiomyopathy with woolly hair and keratoderma; Arrhythmogenic cardiomyopathy with woolly hair and keratoderma; PALMOPLANTAR KERATODERMA WITH LEFT VENTRICULAR CARDIOMYOPATHY AND WOOLLY HAIR; Carvajal syndrome. Identifiers: Orphanet 65282, MedGen C1854063, MONDO:0011581, OMIM 605676.
Myocarditis. Identifiers: MedGen C0027059, MONDO:0004496, HP:0012819.
Cardiovascular phenotype. Identifiers: MedGen CN230736.
Cardiomyopathy (CMYO). Also called: Cardiomyopathies. Identifiers: Orphanet 167848, MedGen C0878544, MONDO:0004994, HP:0001638. Inheritance: Various modes of inheritance.

gnomAD v4.1: 3 of 1,613,988 alleles (0.00019%); highest among the groups gnomAD compares: Admixed American, 0.0033%; no homozygotes.

Submissions (7):

Labcorp Genetics (formerly Invitae), Labcorp
Classification: Pathogenic for Arrhythmogenic cardiomyopathy with wooly hair and keratoderma; Arrhythmogenic right ventricular dysplasia 8. Last evaluated: 2026-01-19. Review status: criteria provided, single submitter. Criteria: Invitae Variant Classification Sherloc (09022015). Collection method: clinical testing. Allele origin: germline.
Comment: This sequence change creates a premature translational stop signal (p.Arg1458*) in the DSP gene. It is expected to result in an absent or disrupted protein product. Loss-of-function variants in DSP are known to be pathogenic (PMID: 20716751, 24503780, 25227139, 30398466). This variant is present in population databases (rs28763965, gnomAD 0.006%). This premature translational stop signal has been observed in individual(s) with clinical features of DSP-related conditions (PMID: 28359509, 32410525). ClinVar contains an entry for this variant (Variation ID: 534283). For these reasons, this variant has been classified as Pathogenic.

GeneDx
Classification: Likely pathogenic. Last evaluated: 2025-09-14. Review status: criteria provided, single submitter. Criteria: GeneDx Variant Classification Process June 2021. Collection method: clinical testing. Allele origin: germline.
Comment: Nonsense variant predicted to result in protein truncation or nonsense mediated decay in a gene for which loss of function is a known mechanism of disease; Not observed at significant frequency in large population cohorts (gnomAD); This variant is associated with the following publications: (PMID: 34213952, 32410525, 28359509, 32372669, 36175056, 28436997)

Ambry Genetics
Classification: Pathogenic for Cardiovascular phenotype. Last evaluated: 2025-06-03. Review status: criteria provided, single submitter. Criteria: Ambry Variant Classification Scheme 2023. Collection method: clinical testing. Allele origin: germline.
Comment: The p.R1458* pathogenic mutation (also known as c.4372C>T), located in coding exon 23 of the DSP gene, results from a C to T substitution at nucleotide position 4372. This changes the amino acid from an arginine to a stop codon within coding exon 23. This variant was reported in individual(s) with features consistent with DSP-related cardiomyopathy (Belkaya S et al. J Am Coll Cardiol, 2017 Apr;69:1653-1665; Janin A et al. Clin Genet, 2017 Dec;92:616-623; Smith ED et al. Circulation, 2020 Jun;141:1872-1884; Poller W et al. J Am Heart Assoc, 2020 05;9:e015289). Alterations in DSP that result in haploinsufficiency or protein truncation have been reported in patients with arrhythmogenic right ventricular cardiomyopathy (ARVC) and dilated cardiomyopathy (DCM) (Fressart V et al. Europace. 2010;12(6):861-8; Elliott P et al. Circ Cardiovasc Genet. 2010;3(4):314-22; Quarta G et al. Circulation. 2011;123(23):2701-9; Garcia-Pavia P et al. Heart. 2011;97(21):1744-52; Rasmussen TB et al. Clin Genet. 2013;84(1):20-30; Pugh TJ et al. Genet Med. 2014;16(8):601-8). This variant is considered to be rare based on population cohorts in the Genome Aggregation Database (gnomAD). This alteration is expected to result in loss of function by premature protein truncation or nonsense-mediated mRNA decay. As such, this alteration is interpreted as a disease-causing mutation.

Centre for Clinical Genetics and Genomic Diagnostics, Zealand University Hospital
Classification: Pathogenic. Last evaluated: 2024-10-23. Review status: criteria provided, single submitter. Criteria: ACMG Guidelines, 2015. Collection method: clinical testing. Allele origin: germline. Affected: yes.
Comment: Compound heterozygous

All of Us Research Program, National Institutes of Health
Classification: Pathogenic for Arrhythmogenic cardiomyopathy with wooly hair and keratoderma. Last evaluated: 2024-01-22. Review status: criteria provided, single submitter. Criteria: ACMG Guidelines, 2015. Collection method: clinical testing. Allele origin: germline. Inheritance: Autosomal dominant inheritance. Observed: 1 variant allele, 1 heterozygote.
Comment: This variant changes 1 nucleotide in exon 23 of the DSP gene, creating a premature translation stop signal. This variant is expected to result in an absent or non-functional protein product. This variant has been reported in heterozygous state in a few young individuals affected with myocarditis as well as in an unaffected family member (PMID: 32410525, 34213952). This variant has also been reported in homozygous state in a young individual affected with acute myocarditis and severely dilated left ventricle (PMID: 28359509). This variant has been identified in 1/251254 chromosomes in the general population by the Genome Aggregation Database (gnomAD). Loss of DSP function is a known mechanism of disease. Based on the available evidence, this variant is classified as Pathogenic.

This study involves interpretation of variants in research participants for the purpose of population health screening. Participant phenotype was not available at the time of variant classification. Additional details can be found in publication PMID: 35346344, PMCID: PMC8962531

Center for Advanced Laboratory Medicine, UC San Diego Health, University of California San Diego
Classification: Likely pathogenic for Cardiomyopathy. Last evaluated: 2017-03-17. Review status: criteria provided, single submitter. Criteria: ACMG Guidelines, 2015. Collection method: clinical testing. Allele origin: germline. Affected: yes. Observed: 1 variant allele.

Klaassen Lab, Charite University Medicine Berlin
Classification: Likely pathogenic for Myocarditis. Review status: criteria provided, single submitter. Criteria: ACMG Guidelines, 2015. Collection method: research. Allele origin: germline. Affected: yes.

Literature cited by the submitters: PubMed 20716751 (cited by Labcorp Genetics (formerly Invitae), Labcorp); PubMed 24503780 (cited by Labcorp Genetics (formerly Invitae), Labcorp); PubMed 25227139 (cited by Labcorp Genetics (formerly Invitae), Labcorp); PubMed 30398466 (cited by Labcorp Genetics (formerly Invitae), Labcorp); PubMed 28359509 (cited by 3 submitters); PubMed 32410525 (cited by 3 submitters); PubMed 28436997 (cited by Ambry Genetics); PubMed 32372669 (cited by Ambry Genetics); PubMed 34213952 (cited by All of Us Research Program, National Institutes of Health and Klaassen Lab, Charite University Medicine Berlin).